The following is an entry in ClinVar:

ClinVar aggregate classification (germline): Likely benign. Review status: criteria provided, multiple submitters, no conflicts (2 of 4 stars). 4 submissions from 4 submitters: Likely benign (4). Last evaluated 2025-09-24.

Conditions:
Hereditary cancer-predisposing syndrome. Also called: Neoplastic Syndromes, Hereditary; Hereditary Cancer Syndrome; Tumor predisposition; Hereditary neoplastic syndrome. Identifiers: Orphanet 140162, MedGen C0027672, MeSH D009386, MONDO:0015356.
Hereditary breast ovarian cancer syndrome. Also called: BRCA1- and BRCA2-Associated Hereditary Breast and Ovarian Cancer; Hereditary breast and ovarian cancer syndrome (HBOC); Hereditary breast and ovarian cancer; Breast and ovarian cancer; Hereditary breast and/or ovarian cancer syndrome; Hereditary breast and ovarian cancer syndrome. Identifiers: Orphanet 145, MedGen C0677776, MeSH D061325, MONDO:0003582. Disease mechanism: loss of function.

Allele frequency attached by ClinVar (database versions not stated): gnomAD exomes below 0.00001; TOPMed below 0.00001; ExAC 0.00001; gnomAD 0.00001.
gnomAD v4.1: 1 of 1,596,348 alleles (0.000063%); highest among the groups gnomAD compares: African/African-American, 0.0014%; no homozygotes.

Submissions (4):

Labcorp Genetics (formerly Invitae), Labcorp
Classification: Likely benign for Hereditary breast ovarian cancer syndrome. Last evaluated: 2025-09-24. Review status: criteria provided, single submitter. Criteria: Invitae Variant Classification Sherloc (09022015). Collection method: clinical testing. Allele origin: germline.

Color Diagnostics, LLC DBA Color Health
Classification: Likely benign for Hereditary cancer-predisposing syndrome. Last evaluated: 2022-06-10. Review status: criteria provided, single submitter. Criteria: ACMG Guidelines, 2015. Collection method: clinical testing. Allele origin: germline.

Ambry Genetics
Classification: Likely benign for Hereditary cancer-predisposing syndrome. Last evaluated: 2019-07-27. Review status: criteria provided, single submitter. Criteria: Ambry Variant Classification Scheme 2023. Collection method: clinical testing. Allele origin: germline.

GeneDx
Classification: Likely benign. Last evaluated: 2018-02-23. Review status: criteria provided, single submitter. Criteria: GeneDx Variant Classification (06012015). Collection method: clinical testing. Allele origin: germline. Affected: yes.
Comment: This variant is considered likely benign or benign based on one or more of the following criteria: it is a conservative change, it occurs at a poorly conserved position in the protein, it is predicted to be benign by multiple in silico algorithms, and/or has population frequency not consistent with disease.

NM_000059.4(BRCA2):c.6493T>C (p.Leu2165=)

Gene: BRCA2 (BRCA2 DNA repair associated; plus strand). Cytogenetic location: 13q13.1.
Variant type: single nucleotide variant.
Coding change: c.6493T>C on transcript NM_000059.4 (MANE Select); coding-DNA position 6493, T replaced by C.
Protein change: p.Leu2165=; no amino-acid change (leucine 2165 retained).
Molecular consequence: synonymous variant.
Genome position (GRCh38, 1-based): chr13:32,340,848, T>C. VCF-style: chr13-32340848-T-C. GRCh37 (hg19) VCF-style: chr13-32914985-T-C.
Identifiers: ClinVar variation 392983 (VCV000392983.16), dbSNP rs767202483, ClinGen allele CA6940963.
Genomic context (GRCh38, chr13:32,340,848, plus strand): 5'-AATAATCACTCTATTAAAGTTTCTCCATATCTCTCTCAATTTCAACAAGACAAACAACAG[T>C]TGGTATTAGGAACCAAAGTGTCACTTGTTGAGAACATTCATGTTTTGGGAAAAGAACAGG-3'
Protein context (NP_000050.3, residues 2155-2175): LSQFQQDKQQ[Leu2165=]VLGTKVSLVE